The following is an entry in ClinVar:

ClinVar aggregate classification (germline): Conflicting classifications of pathogenicity. Review status: criteria provided, conflicting classifications (1 of 4 stars). 6 submissions from 6 submitters: Likely pathogenic (1); Uncertain significance (4). 1 of the submissions does not count toward it. Last evaluated 2025-09-11.

Conditions:
Hypercalcemia, infantile, 2 (HCINF2). Identifiers: Orphanet 300547, MedGen C4310473, MONDO:0014851, OMIM 616963.
Fanconi renotubular syndrome 2 (FRTS2). Identifiers: MedGen C3150652, MONDO:0013247, OMIM 613388.
Hypophosphatemic nephrolithiasis/osteoporosis 1. Identifiers: Orphanet 244305, MedGen C2676786, MONDO:0012850, OMIM 612286.
SLC34A1-related disorder. Also called: SLC34A1-related disorders; SLC34A1-related condition.
Kidney stone. Also called: Nephrolithiasis. Identifiers: MedGen C0392525, MONDO:0008171, HP:0000787.
Nephrocalcinosis. Also called: Hypercalcemic nephropathy. Identifiers: MedGen C0027709, MONDO:0001567, HP:0000121.

Allele frequency attached by ClinVar (database versions not stated): ExAC 0.00002; gnomAD 0.00003; gnomAD exomes 0.00003 and 0.00004; TOPMed 0.00003.
gnomAD v4.1: 68 of 1,612,388 alleles (0.0042%); highest among the groups gnomAD compares: Non-Finnish European, 0.0056%; no homozygotes.

Submissions (6):

PreventionGenetics, part of Exact Sciences
Classification: Uncertain significance for SLC34A1-related condition. Last evaluated: 2025-09-11. Review status: criteria provided, single submitter. Criteria: ACMG Guidelines, 2015. Collection method: clinical testing. Allele origin: germline.
Comment: The SLC34A1 c.1724C>T variant is predicted to result in the amino acid substitution p.Thr575Ile. This variant has been reported in the homozygous state in an individual with nephrocalcinosis and hypercalcemia (Daga et al. 2018. PubMed ID: 28893421). It has also been reported in the heterozygous state in two additional patients from a large exome sequencing cohort; however, clinical information was not provided (Table S1, Capalbo et al. 2019. PubMed ID: 31589614). This variant is reported in 0.0070% of alleles in individuals of European (Non-Finnish) descent in gnomAD. Although we suspect that this variant may be pathogenic, at this time, the clinical significance of this variant is uncertain due to the absence of conclusive functional and genetic evidence.

Labcorp Genetics (formerly Invitae), Labcorp
Classification: Uncertain significance. Last evaluated: 2024-12-18. Review status: criteria provided, single submitter. Criteria: Invitae Variant Classification Sherloc (09022015). Collection method: clinical testing. Allele origin: germline.
Comment: This sequence change replaces threonine, which is neutral and polar, with isoleucine, which is neutral and non-polar, at codon 575 of the SLC34A1 protein (p.Thr575Ile). This variant is present in population databases (rs201331677, gnomAD 0.007%). This missense change has been observed in individuals with SLC34A1-related conditions (PMID: 28893421; internal data). ClinVar contains an entry for this variant (Variation ID: 548679). Invitae Evidence Modeling of protein sequence and biophysical properties (such as structural, functional, and spatial information, amino acid conservation, physicochemical variation, residue mobility, and thermodynamic stability) indicates that this missense variant is not expected to disrupt SLC34A1 protein function with a negative predictive value of 80%. In summary, the available evidence is currently insufficient to determine the role of this variant in disease. Therefore, it has been classified as a Variant of Uncertain Significance.

Fulgent Genetics
Classification: Likely pathogenic for Hypophosphatemic nephrolithiasis/osteoporosis 1; Fanconi renotubular syndrome 2; Hypercalcemia, infantile, 2. Last evaluated: 2024-06-12. Review status: criteria provided, single submitter. Criteria: ACMG Guidelines, 2015. Collection method: clinical testing. Allele origin: germline.

Department of Pathology and Laboratory Medicine, Sinai Health System
Classification: Uncertain significance for Hypercalcemia, infantile, 2. Last evaluated: 2022-12-30. Review status: criteria provided, single submitter. Criteria: ACMG Guidelines, 2015. Collection method: research. Allele origin: germline.

Revvity Omics, Revvity
Classification: Uncertain significance. Last evaluated: 2020-12-10. Review status: criteria provided, single submitter. Criteria: ACMG Guidelines, 2015. Collection method: clinical testing. Allele origin: germline.

Yale Center for Mendelian Genomics, Yale University
Classification: Likely pathogenic for Nephrolithiasis; Nephrocalcinosis. Last evaluated: 2017-09-08. Review status: no assertion criteria provided. Collection method: literature only. Allele origin: germline. Affected: yes. Observed: 1 homozygote. Not counted in ClinVar's aggregate classification.

Literature cited by the submitters: PubMed 28893421 (cited by Labcorp Genetics (formerly Invitae), Labcorp and Yale Center for Mendelian Genomics, Yale University).

NM_003052.5(SLC34A1):c.1724C>T (p.Thr575Ile)

Gene: SLC34A1 (solute carrier family 34 member 1; plus strand). Cytogenetic location: 5q35.3.
Variant type: single nucleotide variant.
Coding change: c.1724C>T on transcript NM_003052.5 (MANE Select); coding-DNA position 1724, C replaced by T.
Protein change: p.Thr575Ile; replaces threonine 575 with isoleucine.
Molecular consequence: missense variant.
Genome position (GRCh38, 1-based): chr5:177,398,090, C>T. VCF-style: chr5-177398090-C-T. GRCh37 (hg19) VCF-style: chr5-176825091-C-T.
Other names: short protein forms T575I.
Identifiers: ClinVar variation 548679 (VCV000548679.14), dbSNP rs201331677, ClinGen allele CA3580872.